The following is an entry in ClinVar:

ClinVar aggregate classification (germline): Uncertain significance (1 of 4 stars; one submission).

Submission:

CeGaT Center for Human Genetics Tuebingen
Classification: Uncertain significance. Last evaluated: 2024-04-01. Review status: criteria provided, single submitter. Criteria: CeGaT Center For Human Genetics Tuebingen Variant Classification Criteria Version 2. Collection method: clinical testing. Allele origin: germline. Affected: yes. Observed: 1 variant allele.
Comment: TTBK2: PM2, PP3

NM_173500.4(TTBK2):c.83G>A (p.Gly28Glu)

Gene: TTBK2 (tau tubulin kinase 2; minus strand). Cytogenetic location: 15q15.2.
Variant type: single nucleotide variant.
Coding change: c.83G>A on transcript NM_173500.4 (MANE Select); coding-DNA position 83, G replaced by A.
Protein change: p.Gly28Glu; replaces glycine 28 with glutamic acid.
Molecular consequence: missense variant.
Genome position (GRCh38, 1-based): chr15:42,872,745, C>T on the plus strand (G>A on the coding strand, the complement: TTBK2 is on the minus strand). VCF-style: chr15-42872745-C-T. GRCh37 (hg19) VCF-style: chr15-43164943-C-T.
Other names: short protein forms G28E.
Identifiers: ClinVar variation 3234744 (VCV003234744.20), dbSNP rs758655546, ClinGen allele CA392044809.